The following is an entry in ClinVar:

NM_144997.7(FLCN):c.955G>T (p.Gly319Trp)

Gene: FLCN (folliculin; minus strand). Cytogenetic location: 17p11.2.
Variant type: single nucleotide variant.
Coding change: c.955G>T on transcript NM_144997.7 (MANE Select); coding-DNA position 955, G replaced by T.
Protein change: p.Gly319Trp; replaces glycine 319 with tryptophan.
Molecular consequence: missense variant.
Genome position (GRCh38, 1-based): chr17:17,219,126, C>A on the plus strand (G>T on the coding strand, the complement: FLCN is on the minus strand). VCF-style: chr17-17219126-C-A. GRCh37 (hg19) VCF-style: chr17-17122440-C-A.
Other names: c.955G>T, p.Gly319Trp (NM_001353231.2, NM_001353230.2); c.1009G>T, p.Gly337Trp (NM_001353229.2); short protein forms G319W, G337W.
Identifiers: ClinVar variation 5021858 (VCV005021858.1).

ClinVar aggregate classification (germline): Uncertain significance (1 of 4 stars; one submission).

Conditions:
Hereditary cancer-predisposing syndrome. Also called: Neoplastic Syndromes, Hereditary; Tumor predisposition; Hereditary neoplastic syndrome; Hereditary Cancer Syndrome. Identifiers: Orphanet 140162, MedGen C0027672, MeSH D009386, MONDO:0015356.

Submission:

Ambry Genetics
Classification: Uncertain significance for Hereditary cancer-predisposing syndrome. Last evaluated: 2026-07-21. Review status: criteria provided, single submitter. Criteria: Ambry Variant Classification Scheme 2023. Collection method: clinical testing. Allele origin: germline.
Comment: The p.G319W variant (also known as c.955G>T), located in coding exon 6 of the FLCN gene, results from a G to T substitution at nucleotide position 955. The glycine at codon 319 is replaced by tryptophan, an amino acid with highly dissimilar properties. This amino acid position is highly conserved in available vertebrate species. In addition, this alteration is predicted to be deleterious by in silico analysis. Based on the available evidence, the clinical significance of this variant remains unclear.